The following is an entry in ClinVar:

ClinVar aggregate classification (germline): Likely benign (1 of 4 stars; one submission).

Allele frequency attached by ClinVar (database versions not stated): TOPMed 0.00003; gnomAD exomes 0.00006; gnomAD 0.00007; ExAC 0.00010; 1000 Genomes Project 30x 0.00031; 1000 Genomes Project 0.00040.

Submission:

CeGaT Center for Human Genetics Tuebingen
Classification: Likely benign. Last evaluated: 2023-02-01. Review status: criteria provided, single submitter. Criteria: CeGaT Center For Human Genetics Tuebingen Variant Classification Criteria Version 2. Collection method: clinical testing. Allele origin: germline. Affected: yes. Observed: 1 variant allele.
Comment: IGFN1: BP4, BP7

NM_001164586.2(IGFN1):c.10527C>T (p.Asn3509=)

Gene: IGFN1 (immunoglobulin like and fibronectin type III domain containing 1; plus strand). Cytogenetic location: 1q32.1.
Variant type: single nucleotide variant.
Coding change: c.10527C>T on transcript NM_001164586.2 (MANE Select); coding-DNA position 10527, C replaced by T.
Protein change: p.Asn3509=; no amino-acid change (asparagine 3509 retained).
Molecular consequence: synonymous variant.
Genome position (GRCh38, 1-based): chr1:201,225,864, C>T. VCF-style: chr1-201225864-C-T. GRCh37 (hg19) VCF-style: chr1-201194992-C-T.
Other names: c.3156C>T, p.Asn1052= (NM_001367841.1).
Identifiers: ClinVar variation 2639775 (VCV002639775.24), dbSNP rs187887036, ClinGen allele CA1323684.
Genomic context (GRCh38, chr1:201,225,864, plus strand): 5'-CTCTGCCGTCTCTCCTGAAGCATGCCCGCAGGCCCCTGGGCCCATCCACCTGCAGGAGAA[C>T]GTGCCTGGGACGGTGACGGCCGAGTGGGAACCCTCTCCTGACGAGGCCCAGGATGTCCCG-3'
Protein context (NP_001158058.1, residues 3499-3519): QAPGPIHLQE[Asn3509=]VPGTVTAEWE